The following is an entry in ClinVar:

NM_001041.4(SI):c.973A>G (p.Ile325Val)

Gene: SI (sucrase-isomaltase; minus strand). Cytogenetic location: 3q26.1.
Variant type: single nucleotide variant.
Coding change: c.973A>G on transcript NM_001041.4 (MANE Select); coding-DNA position 973, A replaced by G.
Protein change: p.Ile325Val; replaces isoleucine 325 with valine.
Molecular consequence: missense variant.
Genome position (GRCh38, 1-based): chr3:165,062,418, T>C on the plus strand (A>G on the coding strand, the complement: SI is on the minus strand). VCF-style: chr3-165062418-T-C. GRCh37 (hg19) VCF-style: chr3-164780206-T-C.
Other names: short protein forms I325V.
Identifiers: ClinVar variation 1523466 (VCV001523466.8), dbSNP rs758485816, ClinGen allele CA2691236.

ClinVar aggregate classification (germline): Uncertain significance (1 of 4 stars; one submission).

Allele frequency attached by ClinVar (database versions not stated): gnomAD exomes below 0.00001; TOPMed below 0.00001; ExAC 0.00001.

Submission:

Labcorp Genetics (formerly Invitae), Labcorp
Classification: Uncertain significance. Last evaluated: 2022-08-22. Review status: criteria provided, single submitter. Criteria: Invitae Variant Classification Sherloc (09022015). Collection method: clinical testing. Allele origin: germline.
Comment: This sequence change replaces isoleucine, which is neutral and non-polar, with valine, which is neutral and non-polar, at codon 325 of the SI protein (p.Ile325Val). This variant is not present in population databases (gnomAD no frequency). This variant has not been reported in the literature in individuals affected with SI-related conditions. ClinVar contains an entry for this variant (Variation ID: 1523466). Advanced modeling of protein sequence and biophysical properties (such as structural, functional, and spatial information, amino acid conservation, physicochemical variation, residue mobility, and thermodynamic stability) performed at Invitae indicates that this missense variant is not expected to disrupt SI protein function. In summary, the available evidence is currently insufficient to determine the role of this variant in disease. Therefore, it has been classified as a Variant of Uncertain Significance.